The following is an entry in ClinVar:

NM_001098816.3(TENM4):c.970G>A (p.Ala324Thr)

Gene: TENM4 (teneurin transmembrane protein 4; minus strand). Cytogenetic location: 11q14.1.
Variant type: single nucleotide variant.
Coding change: c.970G>A on transcript NM_001098816.3 (MANE Select); coding-DNA position 970, G replaced by A.
Protein change: p.Ala324Thr; replaces alanine 324 with threonine.
Molecular consequence: missense variant.
Genome position (GRCh38, 1-based): chr11:78,889,899, C>T on the plus strand (G>A on the coding strand, the complement: TENM4 is on the minus strand). VCF-style: chr11-78889899-C-T. GRCh37 (hg19) VCF-style: chr11-78600944-C-T.
Other names: p.Ala324Thr; short protein forms A324T.
Identifiers: ClinVar variation 4683682 (VCV004683682.1).

ClinVar aggregate classification (germline): Likely benign (1 of 4 stars; one submission).

Submission:

Mayo Clinic Laboratories, Mayo Clinic
Classification: Likely benign. Last evaluated: 2025-08-07. Review status: criteria provided, single submitter. Criteria: ACMG Guidelines, 2015. Collection method: clinical testing. Allele origin: germline. Observed: 1 variant allele.
Comment: BS2, BP4